The following is an entry in ClinVar:

NM_000035.4(ALDOB):c.113-2A>G

Gene: ALDOB (aldolase, fructose-bisphosphate B; minus strand). Cytogenetic location: 9q31.1.
Variant type: single nucleotide variant.
Coding change: c.113-2A>G on transcript NM_000035.4 (MANE Select); the canonical splice acceptor site of the intron before coding-DNA position 113, A replaced by G.
Molecular consequence: splice acceptor variant.
Genome position (GRCh38, 1-based): chr9:101,429,968, T>C on the plus strand (A>G on the coding strand, the complement: ALDOB is on the minus strand). VCF-style: chr9-101429968-T-C. GRCh37 (hg19) VCF-style: chr9-104192250-T-C.
Identifiers: ClinVar variation 2107734 (VCV002107734.4), dbSNP rs2490129172, ClinGen allele CA374266076.
Genomic context (GRCh38, chr9:101,429,968, plus strand): 5'-CCGGCGGTTCTCTTCAGTGTTTTCCACCTTGATCCTCTGCAGGCGGTTCCCCATGGTACC[T>C]ATGGTGGGAGGGCCAAGGGCAGCATAAGGAGCAAGCCAGGGCTTTCCTGTCACCCTTCTC-3'

ClinVar aggregate classification (germline): Likely pathogenic (1 of 4 stars; one submission).

Conditions:
Hereditary fructosuria. Also called: ALDOB DEFICIENCY; ALDOLASE B DEFICIENCY; FRUCTOSE-1,6-BISPHOSPHATE ALDOLASE B DEFICIENCY; FRUCTOSE-1-PHOSPHATE ALDOLASE DEFICIENCY; FRUCTOSEMIA; Hereditary fructose intolerance. Identifiers: Orphanet 469, MedGen C0016751, MONDO:0009249, OMIM 229600, HP:0005973. Disease mechanism: loss of function.

Submission:

Labcorp Genetics (formerly Invitae), Labcorp
Classification: Likely pathogenic for Hereditary fructosuria. Last evaluated: 2022-03-09. Review status: criteria provided, single submitter. Criteria: Invitae Variant Classification Sherloc (09022015). Collection method: clinical testing. Allele origin: germline.
Comment: This sequence change affects an acceptor splice site in intron 2 of the ALDOB gene. It is expected to disrupt RNA splicing. Variants that disrupt the donor or acceptor splice site typically lead to a loss of protein function (PMID: 16199547), and loss-of-function variants in ALDOB are known to be pathogenic (PMID: 18541450). This variant is not present in population databases (gnomAD no frequency). Disruption of this splice site has been observed in individual(s) with hereditary fructose intolerance (PMID: 15880727). Algorithms developed to predict the effect of sequence changes on RNA splicing suggest that this variant may disrupt the consensus splice site. In summary, the currently available evidence indicates that the variant is pathogenic, but additional data are needed to prove that conclusively. Therefore, this variant has been classified as Likely Pathogenic.

Literature cited by the submitters: PubMed 16199547; PubMed 18541450; PubMed 15880727.